The following is an entry in ClinVar:

NM_018292.5(QRSL1):c.1204C>G (p.Leu402Val)

Gene: QRSL1 (glutaminyl-tRNA amidotransferase subunit QRSL1; plus strand). Cytogenetic location: 6q21.
Variant type: single nucleotide variant.
Coding change: c.1204C>G on transcript NM_018292.5 (MANE Select); coding-DNA position 1204, C replaced by G.
Protein change: p.Leu402Val; replaces leucine 402 with valine.
Molecular consequence: missense variant.
Genome position (GRCh38, 1-based): chr6:106,663,023, C>G. VCF-style: chr6-106663023-C-G. GRCh37 (hg19) VCF-style: chr6-107110898-C-G.
Other names: short protein forms L402V.
Identifiers: ClinVar variation 2277098 (VCV002277098.3), dbSNP rs777858343, ClinGen allele CA3944980.

ClinVar aggregate classification (germline): Uncertain significance. Review status: criteria provided, multiple submitters, no conflicts (2 of 4 stars). 2 submissions from 2 submitters: Uncertain significance (2). Last evaluated 2025-03-25.

Conditions:
Inborn genetic diseases. Identifiers: MedGen C0950123, MeSH D030342.

Allele frequency attached by ClinVar (database versions not stated): ExAC 0.00001; TOPMed 0.00002; gnomAD 0.00003.
gnomAD v4.1: 26 of 1,612,898 alleles (0.0016%); highest among the groups gnomAD compares: Middle Eastern, 0.033%; no homozygotes.

Submissions (2):

Labcorp Genetics (formerly Invitae), Labcorp
Classification: Uncertain significance. Last evaluated: 2025-03-25. Review status: criteria provided, single submitter. Criteria: Invitae Variant Classification Sherloc (09022015). Collection method: clinical testing. Allele origin: germline.
Comment: This sequence change replaces leucine, which is neutral and non-polar, with valine, which is neutral and non-polar, at codon 402 of the QRSL1 protein (p.Leu402Val). This variant is present in population databases (rs777858343, gnomAD 0.002%). This variant has not been reported in the literature in individuals affected with QRSL1-related conditions. ClinVar contains an entry for this variant (Variation ID: 2277098). Invitae Evidence Modeling of protein sequence and biophysical properties (such as structural, functional, and spatial information, amino acid conservation, physicochemical variation, residue mobility, and thermodynamic stability) indicates that this missense variant is not expected to disrupt QRSL1 protein function with a negative predictive value of 80%. In summary, the available evidence is currently insufficient to determine the role of this variant in disease. Therefore, it has been classified as a Variant of Uncertain Significance.

Ambry Genetics
Classification: Uncertain significance for Inborn genetic diseases. Last evaluated: 2022-02-11. Review status: criteria provided, single submitter. Criteria: Ambry Variant Classification Scheme 2023. Collection method: clinical testing. Allele origin: germline.